The following is an entry in ClinVar:

ClinVar aggregate classification (germline): Likely benign. Review status: criteria provided, multiple submitters, no conflicts (2 of 4 stars). 3 submissions from 3 submitters: Likely benign (2). 1 of the submissions does not count toward it. Last evaluated 2026-01-24.

Conditions:
LARGE1-related disorder. Also called: LARGE1-related condition.
Muscular dystrophy-dystroglycanopathy type B6 (MDDGB6). Also called: MUSCULAR DYSTROPHY, CONGENITAL, LARGE-RELATED; MUSCULAR DYSTROPHY, CONGENITAL, TYPE 1D; MUSCULAR DYSTROPHY-DYSTROGLYCANOPATHY (CONGENITAL WITH IMPAIRED INTELLECTUAL DEVELOPMENT), TYPE B, 6. Identifiers: MedGen C1837229, MONDO:0012138, OMIM 608840.

Allele frequency attached by ClinVar (database versions not stated): ExAC 0.00005; gnomAD exomes 0.00006 and 0.00019; gnomAD 0.00008 and 0.00009; TOPMed 0.00010; ESP Exome Variant Server 0.00023.
gnomAD v4.1: 292 of 1,613,870 alleles (0.018%); highest among the groups gnomAD compares: Non-Finnish European, 0.023%; no homozygotes.

Submissions (3):

Labcorp Genetics (formerly Invitae), Labcorp
Classification: Likely benign for Muscular dystrophy-dystroglycanopathy type B6. Last evaluated: 2026-01-24. Review status: criteria provided, single submitter. Criteria: Invitae Variant Classification Sherloc (09022015). Collection method: clinical testing. Allele origin: germline.

CeGaT Center for Human Genetics Tuebingen
Classification: Likely benign. Last evaluated: 2022-03-01. Review status: criteria provided, single submitter. Criteria: CeGaT Center For Human Genetics Tuebingen Variant Classification Criteria Version 2. Collection method: clinical testing. Allele origin: germline. Affected: yes. Observed: 1 variant allele.
Comment: LARGE1: BP4, BP7

PreventionGenetics, part of Exact Sciences
Classification: Likely benign for LARGE1-related condition. Last evaluated: 2020-02-19. Review status: no assertion criteria provided. Collection method: clinical testing. Allele origin: germline. Not counted in ClinVar's aggregate classification.
Comment: This variant is classified as likely benign based on ACMG/AMP sequence variant interpretation guidelines (Richards et al. 2015 PMID: 25741868, with internal and published modifications).

NM_133642.5(LARGE1):c.432C>T (p.Cys144=)

Gene: LARGE1 (LARGE xylosyl- and glucuronyltransferase 1; minus strand). Cytogenetic location: 22q12.3.
Variant type: single nucleotide variant.
Coding change: c.432C>T on transcript NM_133642.5 (MANE Select); coding-DNA position 432, C replaced by T.
Protein change: p.Cys144=; no amino-acid change (cysteine 144 retained).
Molecular consequence: synonymous variant.
Genome position (GRCh38, 1-based): chr22:33,626,303, G>A on the plus strand (C>T on the coding strand, the complement: LARGE1 is on the minus strand). VCF-style: chr22-33626303-G-A. GRCh37 (hg19) VCF-style: chr22-34022287-G-A.
Other names: c.432C>T, p.Cys144= (NM_001362949.2, NM_001362951.2, NM_001362953.2 and 7 more transcripts); c.432C>T (NM_004737.5).
Identifiers: ClinVar variation 705008 (VCV000705008.33), dbSNP rs201977889, ClinGen allele CA10203047.
Genomic context (GRCh38, chr22:33,626,303, plus strand): 5'-CCTATGGAACAGGACGGATTTGACCAGGGTGACGACATCCCGGCTGGCATTGTATCCGGC[G>A]CAGACAATAGCAACGTGGATTGTCTGGGAAGAAAAGAAGACGGGGTGAGCAGTCAGACAG-3'
Protein context (NP_598397.1, residues 134-154): KCETIHVAIV[Cys144=]AGYNASRDVV